The following is an entry in ClinVar:

ClinVar aggregate classification (germline): Likely pathogenic (0 of 4 stars; one submission).

Conditions:
Relapsing remitting multiple sclerosis. Identifiers: MedGen C0751967, MONDO:0005314.

Submission:

Demyelinating Disease Laboratories, VA Medical Center and University of Tennessee
Classification: Likely pathogenic. Review status: no assertion criteria provided. Collection method: not provided. Allele origin: somatic.
ClinVar note: Converted during submission from probable-pathogenic to Likely pathogenic.

NM_031157.4(HNRNPA1):c.982A>C (p.Met328Leu)

Gene: HNRNPA1 (heterogeneous nuclear ribonucleoprotein A1; plus strand). Cytogenetic location: 12q13.13.
Variant type: single nucleotide variant.
Coding change: c.982A>C on transcript NM_031157.4 (MANE Select); coding-DNA position 982, A replaced by C.
Protein change: p.Met328Leu; replaces methionine 328 with leucine.
Molecular consequence: missense variant. On other transcripts: non-coding transcript variant (1).
Genome position (GRCh38, 1-based): chr12:54,283,886, A>C. VCF-style: chr12-54283886-A-C. GRCh37 (hg19) VCF-style: chr12-54677670-A-C.
Other names: c.826A>C, p.Met276Leu (NM_002136.4); short protein forms M328L, M276L.
Identifiers: ClinVar variation 135597 (VCV000135597.2), dbSNP rs483353024, ClinGen allele CA163050.